The following is an entry in ClinVar:

ClinVar aggregate classification (germline): Uncertain significance. Review status: criteria provided, multiple submitters, no conflicts (2 of 4 stars). 2 submissions from 2 submitters: Uncertain significance (2). Last evaluated 2026-03-18.

Conditions:
RASopathy. Also called: rasopathies; Noonan spectrum disorder. Identifiers: Orphanet 536391, MedGen C5555857, MONDO:0021060.

Allele frequency attached by ClinVar (database versions not stated): ExAC 0.00001; gnomAD 0.00001; gnomAD exomes 0.00001; TOPMed 0.00001.
gnomAD v4.1: 9 of 1,602,254 alleles (0.00056%); highest among the groups gnomAD compares: Non-Finnish European, 0.00077%; no homozygotes.

Submissions (2):

Women's Health and Genetics/Laboratory Corporation of America, LabCorp
Classification: Uncertain significance. Last evaluated: 2026-03-18. Review status: criteria provided, single submitter. Criteria: LabCorp Variant Classification Summary - May 2015. Collection method: clinical testing. Allele origin: germline.
Comment: Variant summary: PTPN11 c.1150C>T (p.Arg384Cys) results in a non-conservative amino acid change in the encoded protein sequence. Algorithms developed to predict the effect of missense changes on protein structure and function are either unavailable or do not agree on the potential impact of this missense change. The variant was absent in 251454 control chromosomes. The available data on variant occurrences in the general population are insufficient to allow any conclusion about variant significance. To our knowledge, no occurrence of c.1150C>T in individuals affected with PTPN11-related conditions and no experimental evidence demonstrating its impact on protein function have been reported. ClinVar contains an entry for this variant (Variation ID: 2062721). Based on the evidence outlined above, the variant was classified as uncertain significance.

Labcorp Genetics (formerly Invitae), Labcorp
Classification: Uncertain significance for RASopathy. Last evaluated: 2025-01-16. Review status: criteria provided, single submitter. Criteria: Invitae Variant Classification Sherloc (09022015). Collection method: clinical testing. Allele origin: germline.
Comment: This sequence change replaces arginine, which is basic and polar, with cysteine, which is neutral and slightly polar, at codon 384 of the PTPN11 protein (p.Arg384Cys). This variant is not present in population databases (gnomAD no frequency). This variant has not been reported in the literature in individuals affected with PTPN11-related conditions. ClinVar contains an entry for this variant (Variation ID: 2062721). Invitae Evidence Modeling of protein sequence and biophysical properties (such as structural, functional, and spatial information, amino acid conservation, physicochemical variation, residue mobility, and thermodynamic stability) indicates that this missense variant is not expected to disrupt PTPN11 protein function with a negative predictive value of 80%. In summary, the available evidence is currently insufficient to determine the role of this variant in disease. Therefore, it has been classified as a Variant of Uncertain Significance.

NM_002834.5(PTPN11):c.1150C>T (p.Arg384Cys)

Gene: PTPN11 (protein tyrosine phosphatase non-receptor type 11; plus strand). Cytogenetic location: 12q24.13.
Variant type: single nucleotide variant.
Coding change: c.1150C>T on transcript NM_002834.5 (MANE Select); coding-DNA position 1150, C replaced by T.
Protein change: p.Arg384Cys; replaces arginine 384 with cysteine.
Molecular consequence: missense variant.
Genome position (GRCh38, 1-based): chr12:112,482,131, C>T. VCF-style: chr12-112482131-C-T. GRCh37 (hg19) VCF-style: chr12-112919935-C-T.
Other names: c.1150C>T, p.Arg384Cys (NM_001330437.2, NM_080601.3); c.1147C>T, p.Arg383Cys (NM_001374625.1); short protein forms R383C, R384C.
Identifiers: ClinVar variation 2062721 (VCV002062721.5), dbSNP rs748162361, ClinGen allele CA6798729.